The following is an entry in ClinVar:

NM_032776.3(JMJD1C):c.489G>A (p.Pro163=)

Gene: JMJD1C (jumonji domain containing 1C; minus strand). Cytogenetic location: 10q21.3.
Variant type: single nucleotide variant.
Coding change: c.489G>A on transcript NM_032776.3 (MANE Select); coding-DNA position 489, G replaced by A.
Protein change: p.Pro163=; no amino-acid change (proline 163 retained).
Molecular consequence: synonymous variant. On other transcripts: 5 prime UTR variant (3), intron variant (2).
Genome position (GRCh38, 1-based): chr10:63,219,942, C>T on the plus strand (G>A on the coding strand, the complement: JMJD1C is on the minus strand). VCF-style: chr10-63219942-C-T. GRCh37 (hg19) VCF-style: chr10-64979702-C-T.
Other names: c.-58G>A (NM_001282948.2, NM_001318154.2); c.-380G>A (NM_001318153.2); c.375G>A, p.Pro125= (NM_001322252.2); c.-104-2611G>A (NM_001322258.2, NM_001322254.2).
Identifiers: ClinVar variation 732758 (VCV000732758.11), dbSNP rs544692517, ClinGen allele CA5519021.

ClinVar aggregate classification (germline): Likely benign. Review status: criteria provided, single submitter (1 of 4 stars). 2 submissions from 2 submitters: Likely benign (1). 1 of the submissions does not count toward it. Last evaluated 2025-06-23.

Conditions:
JMJD1C-related disorder. Also called: JMJD1C-related condition.
Early Myoclonic Encephalopathy. Identifiers: MedGen C0270855.

Allele frequency attached by ClinVar (database versions not stated): gnomAD exomes 0.00003 and 0.00007; ExAC 0.00004; gnomAD 0.00004; TOPMed 0.00006.
gnomAD v4.1: 108 of 1,613,460 alleles (0.0067%); highest among the groups gnomAD compares: Non-Finnish European, 0.0084%; no homozygotes.

Submissions (2):

Labcorp Genetics (formerly Invitae), Labcorp
Classification: Likely benign for Early Myoclonic Encephalopathy. Last evaluated: 2025-06-23. Review status: criteria provided, single submitter. Criteria: Invitae Variant Classification Sherloc (09022015). Collection method: clinical testing. Allele origin: germline.

PreventionGenetics, part of Exact Sciences
Classification: Likely benign for JMJD1C-related condition. Last evaluated: 2019-05-15. Review status: no assertion criteria provided. Collection method: clinical testing. Allele origin: germline. Not counted in ClinVar's aggregate classification.
Comment: This variant is classified as likely benign based on ACMG/AMP sequence variant interpretation guidelines (Richards et al. 2015 PMID: 25741868, with internal and published modifications).